The following is an entry in ClinVar:

ClinVar aggregate classification (germline): Uncertain significance (1 of 4 stars; one submission).

Submission:

ISCA site 4
Classification: Uncertain significance. Last evaluated: 2011-08-12. Review status: criteria provided, single submitter. Criteria: Kaminsky et al. (Genet Med. 2011). Collection method: clinical testing. Allele origin: unknown. Affected: yes. Observed: 1 variant allele.
Comment: Copy number variation identified through the course of routine clinical cytogenomic testing in postnatal populations. Clinical assertions have been curated as described in Kaminsky et al. 2011.

GRCh38/hg38 8q21.2-21.3(chr8:85554861-86369755)x3

Genes: ATP6V0D2 (ATPase H+ transporting V0 subunit d2; plus strand), LINC02849 (long independently transcribed non-coding RNA 2849; minus strand), PSKH2 (protein serine kinase H2; minus strand), SLC7A13 (solute carrier family 7 member 13; minus strand), WWP1 (WW domain containing E3 ubiquitin protein ligase 1; plus strand) and 9 more. Cytogenetic location: 8q21.2-21.3.
Variant type: copy number gain.
Change: copy number 3 (three copies instead of two) of chr8:85,554,861-86,369,755 (814.9 kb, GRCh38 coordinates, 1-based), cytogenetic band 8q21.2-21.3.
Identifiers: ClinVar variation 57317 (VCV000057317.1).